The following is an entry in ClinVar:

ClinVar aggregate classification (germline): Benign (0 of 4 stars; one submission).

Conditions:
FAM47A-related disorder. Also called: FAM47A-related condition.

Allele frequency attached by ClinVar (database versions not stated): gnomAD exomes 0.18112; ExAC 0.19890; TOPMed 0.23177; gnomAD 0.24056; ESP Exome Variant Server 0.24474; 1000 Genomes Project 0.24927; 1000 Genomes Project 30x 0.24995.
gnomAD v4.1: 218,470 of 1,172,698 alleles (19%); highest among the groups gnomAD compares: African/African-American, 39%; 14,757 homozygotes.

Submission:

PreventionGenetics, part of Exact Sciences
Classification: Benign for FAM47A-related condition. Last evaluated: 2019-11-14. Review status: no assertion criteria provided. Collection method: clinical testing. Allele origin: germline.
Comment: This variant is classified as benign based on ACMG/AMP sequence variant interpretation guidelines (Richards et al. 2015 PMID: 25741868, with internal and published modifications).

NM_203408.4(FAM47A):c.1129G>T (p.Ala377Ser)

Gene: FAM47A (family with sequence similarity 47 member A; minus strand). Cytogenetic location: Xp21.1.
Variant type: single nucleotide variant.
Coding change: c.1129G>T on transcript NM_203408.4 (MANE Select); coding-DNA position 1129, G replaced by T.
Protein change: p.Ala377Ser; replaces alanine 377 with serine.
Molecular consequence: missense variant.
Genome position (GRCh38, 1-based): chrX:34,131,150, C>A on the plus strand (G>T on the coding strand, the complement: FAM47A is on the minus strand). VCF-style: chrX-34131150-C-A. GRCh37 (hg19) VCF-style: chrX-34149267-C-A.
Other names: short protein forms A377S.
Identifiers: ClinVar variation 3055273 (VCV003055273.2), dbSNP rs1811716, ClinGen allele CA10380532.
Genomic context (GRCh38, chrX:34,131,150, plus strand): 5'-ACACTTCAGTCTTGGGAGGCTCCGGGCTGAGATGGGACACTCCAGTCTTGGAAGGCTCCG[C>A]GTGGAGACTGGACCCCCGACGAGTCTTGGGAGGCGCTAGGCGGAGACGGGACACTCCAGT-3'
Protein context (NP_981953.2, residues 367-387): PKTRRGSSLH[Ala377Ser]EPSKTGVSHL